The following is an entry in ClinVar:

ClinVar aggregate classification (germline): Uncertain significance (1 of 4 stars; one submission).

Conditions:
Inborn genetic diseases. Identifiers: MedGen C0950123, MeSH D030342.

Submission:

Ambry Genetics
Classification: Uncertain significance for Inborn genetic diseases. Last evaluated: 2024-03-09. Review status: criteria provided, single submitter. Criteria: Ambry Variant Classification Scheme 2023. Collection method: clinical testing. Allele origin: germline.
Comment: The p.H880Q variant (also known as c.2640T>G), located in coding exon 20 of the BUB1B gene, results from a T to G substitution at nucleotide position 2640. The histidine at codon 880 is replaced by glutamine, an amino acid with highly similar properties. This amino acid position is conserved. In addition, this alteration is predicted to be deleterious by in silico analysis. Based on the available evidence, the clinical significance of this alteration remains unclear.

NM_001211.6(BUB1B):c.2640T>G (p.His880Gln)

Gene: BUB1B (BUB1 mitotic checkpoint serine/threonine kinase B; plus strand). Cytogenetic location: 15q15.1.
Variant type: single nucleotide variant.
Coding change: c.2640T>G on transcript NM_001211.6 (MANE Select); coding-DNA position 2640, T replaced by G.
Protein change: p.His880Gln; replaces histidine 880 with glutamine.
Molecular consequence: missense variant.
Genome position (GRCh38, 1-based): chr15:40,213,436, T>G. VCF-style: chr15-40213436-T-G. GRCh37 (hg19) VCF-style: chr15-40505637-T-G.
Other names: short protein forms H880Q.
Identifiers: ClinVar variation 3221400 (VCV003221400.1), dbSNP rs1244713769, ClinGen allele CA391686447.